The following is an entry in ClinVar:

ClinVar aggregate classification (germline): Conflicting classifications of pathogenicity. Review status: criteria provided, conflicting classifications (1 of 4 stars). 3 submissions from 3 submitters: Uncertain significance (2); Likely benign (1). Last evaluated 2026-09-14.

Conditions:
Tuberous sclerosis syndrome (TSC). Also called: Tuberous Sclerosis Complex; Tuberous sclerosis. Identifiers: Orphanet 805, MedGen C0041341, MONDO:0001734.
Tuberous sclerosis 2 (TSC2). Identifiers: Orphanet 805, MedGen C1860707, MONDO:0013199, OMIM 613254.
Hereditary cancer-predisposing syndrome. Also called: Tumor predisposition; Hereditary Cancer Syndrome; Hereditary neoplastic syndrome; Neoplastic Syndromes, Hereditary. Identifiers: Orphanet 140162, MedGen C0027672, MeSH D009386, MONDO:0015356.

Submissions (3):

Ambry Genetics
Classification: Uncertain significance for Hereditary cancer-predisposing syndrome. Last evaluated: 2026-09-14. Review status: criteria provided, single submitter. Criteria: Ambry Variant Classification Scheme 2023. Collection method: clinical testing. Allele origin: germline.
Comment: The c.226-3C>T intronic variant results from a C to T substitution 3 nucleotides upstream from coding exon 3 in the TSC2 gene. This nucleotide position is well conserved in available vertebrate species. In silico splice site analysis predicts that this alteration will not have any significant effect on splicing. Based on the available evidence, the clinical significance of this variant remains unclear.

Labcorp Genetics (formerly Invitae), Labcorp
Classification: Uncertain significance for Tuberous sclerosis 2. Last evaluated: 2025-10-22. Review status: criteria provided, single submitter. Criteria: Invitae Variant Classification Sherloc (09022015). Collection method: clinical testing. Allele origin: germline.
Comment: This sequence change falls in intron 3 of the TSC2 gene. It does not directly change the encoded amino acid sequence of the TSC2 protein. It affects a nucleotide within the consensus splice site. This variant is not present in population databases (gnomAD no frequency). This variant has not been reported in the literature in individuals affected with TSC2-related conditions. ClinVar contains an entry for this variant (Variation ID: 2067232). Variants that disrupt the consensus splice site are a relatively common cause of aberrant splicing (PMID: 17576681, 9536098). Algorithms developed to predict the effect of sequence changes on RNA splicing suggest that this variant is not likely to affect RNA splicing. In summary, the available evidence is currently insufficient to determine the role of this variant in disease. Therefore, it has been classified as a Variant of Uncertain Significance.

All of Us Research Program, National Institutes of Health
Classification: Likely benign for Tuberous sclerosis syndrome. Last evaluated: 2023-02-24. Review status: criteria provided, single submitter. Criteria: ACMG Guidelines, 2015. Collection method: clinical testing. Allele origin: germline. Inheritance: Autosomal dominant inheritance. Observed: 1 variant allele, 1 heterozygote.
Comment: This study involves interpretation of variants in research participants for the purpose of population health screening. Participant phenotype was not available at the time of variant classification. Additional details can be found in publication PMID: 35346344, PMCID: PMC8962531

Literature cited by the submitters: PubMed 17576681 (cited by Labcorp Genetics (formerly Invitae), Labcorp); PubMed 9536098 (cited by Labcorp Genetics (formerly Invitae), Labcorp).

NM_000548.5(TSC2):c.226-3C>T

Gene: TSC2 (TSC complex subunit 2; plus strand). Cytogenetic location: 16p13.3.
Variant type: single nucleotide variant.
Coding change: c.226-3C>T on transcript NM_000548.5 (MANE Select); 3 bases into the intron before coding-DNA position 226, C replaced by T.
Molecular consequence: intron variant.
Genome position (GRCh38, 1-based): chr16:2,053,339, C>T. VCF-style: chr16-2053339-C-T. GRCh37 (hg19) VCF-style: chr16-2103340-C-T.
Other names: c.226-3C>T (NM_001114382.3, NM_021055.3, NM_001370405.1 and 4 more transcripts); c.226-957C>T (NM_001318827.2); c.-2+2853C>T (NM_001318831.2); c.79-3C>T (NM_001318829.2); c.259-3C>T (NM_001318832.2).
Identifiers: ClinVar variation 2067232 (VCV002067232.6), dbSNP rs2151025824, ClinGen allele CA2580090609.